The following is an entry in ClinVar:

ClinVar aggregate classification (germline): Pathogenic/Likely pathogenic. Review status: criteria provided, multiple submitters, no conflicts (2 of 4 stars). 3 submissions from 3 submitters: Pathogenic (1); Likely pathogenic (2). Last evaluated 2024-06-10.

Allele frequency attached by ClinVar (database versions not stated): gnomAD exomes 0.00001; ExAC 0.00002.
gnomAD v4.1: 8 of 1,613,500 alleles (0.0005%); highest among the groups gnomAD compares: East Asian, 0.0045%; no homozygotes.

Submissions (3):

GeneDx
Classification: Likely pathogenic. Last evaluated: 2024-06-10. Review status: criteria provided, single submitter. Criteria: GeneDx Variant Classification Process June 2021. Collection method: clinical testing. Allele origin: germline. Affected: yes.
Comment: Nonsense variant predicted to result in protein truncation or nonsense mediated decay in a gene for which loss of function is a known mechanism of disease; Not observed at significant frequency in large population cohorts (gnomAD); This variant is associated with the following publications: (PMID: 38190127, 34818515, 36208099)

Labcorp Genetics (formerly Invitae), Labcorp
Classification: Pathogenic. Last evaluated: 2023-12-19. Review status: criteria provided, single submitter. Criteria: Invitae Variant Classification Sherloc (09022015). Collection method: clinical testing. Allele origin: germline.
Comment: This sequence change creates a premature translational stop signal (p.Arg973*) in the ADAMTSL4 gene. It is expected to result in an absent or disrupted protein product. Loss-of-function variants in ADAMTSL4 are known to be pathogenic (PMID: 20564469, 28642162). This variant is present in population databases (rs757198328, gnomAD 0.006%). This premature translational stop signal has been observed in individual(s) with ectopia lentis (PMID: 36208099). ClinVar contains an entry for this variant (Variation ID: 1922658). For these reasons, this variant has been classified as Pathogenic.

Clinical Genetics Laboratory, Skane University Hospital Lund
Classification: Likely pathogenic. Last evaluated: 2022-05-27. Review status: criteria provided, single submitter. Criteria: ACMG Guidelines, 2015. Collection method: clinical testing. Allele origin: germline. Affected: yes.

Literature cited by the submitters: PubMed 20564469 (cited by Labcorp Genetics (formerly Invitae), Labcorp); PubMed 28642162 (cited by Labcorp Genetics (formerly Invitae), Labcorp); PubMed 36208099 (cited by Labcorp Genetics (formerly Invitae), Labcorp).

NM_019032.6(ADAMTSL4):c.2917C>T (p.Arg973Ter)

Gene: ADAMTSL4 (ADAMTS like 4; plus strand). Cytogenetic location: 1q21.2.
Variant type: single nucleotide variant.
Coding change: c.2917C>T on transcript NM_019032.6 (MANE Select); coding-DNA position 2917, C replaced by T.
Protein change: p.Arg973Ter; replaces arginine 973 with a stop codon.
Molecular consequence: nonsense.
Genome position (GRCh38, 1-based): chr1:150,559,440, C>T. VCF-style: chr1-150559440-C-T. GRCh37 (hg19) VCF-style: chr1-150531916-C-T.
Other names: c.2800C>T, p.Arg934Ter (NM_001288607.2); c.2986C>T, p.Arg996Ter (NM_001288608.2); c.2917C>T, p.Arg973Ter (NM_001378596.1); c.2917C>T (NM_019032.5); short protein forms R973*, R934*, R996*.
Identifiers: ClinVar variation 1922658 (VCV001922658.7), dbSNP rs757198328, ClinGen allele CA1078872.